The following is an entry in ClinVar:

ClinVar aggregate classification (germline): Uncertain significance. Review status: criteria provided, multiple submitters, no conflicts (2 of 4 stars). 2 submissions from 2 submitters: Uncertain significance (2). Last evaluated 2026-09-15.

Conditions:
PRX-related disorder. Also called: PRX-Related Disorders; PRX-related condition.
Charcot-Marie-Tooth disease type 4. Also called: Charcot-Marie-Tooth disease, type IV; Charcot-Marie-Tooth, Type 4. Identifiers: Orphanet 64749, MedGen C4082197, MONDO:0018995.

Allele frequency attached by ClinVar (database versions not stated): TOPMed 0.00003; ExAC 0.00004; gnomAD 0.00004; gnomAD exomes 0.00004.

Submissions (2):

PreventionGenetics, part of Exact Sciences
Classification: Uncertain significance for PRX-related condition. Last evaluated: 2026-09-15. Review status: criteria provided, single submitter. Criteria: ACMG Guidelines, 2015. Collection method: clinical testing. Allele origin: germline.
Comment: The PRX c.1936G>A variant is predicted to result in the amino acid substitution p.Glu646Lys. This variant was reported with a second PRX variant in an individual with hereditary motor & sensory neuropathy (Hartley et al. 2018. PubMed ID: 28708278). This variant is reported in 0.016% of alleles in individuals of African descent in gnomAD, including one homozygote. At this time, the clinical significance of this variant is uncertain due to the absence of conclusive functional and genetic evidence.

Labcorp Genetics (formerly Invitae), Labcorp
Classification: Uncertain significance for Charcot-Marie-Tooth disease type 4. Last evaluated: 2022-07-19. Review status: criteria provided, single submitter. Criteria: Invitae Variant Classification Sherloc (09022015). Collection method: clinical testing. Allele origin: germline.
Comment: This sequence change replaces glutamic acid, which is acidic and polar, with lysine, which is basic and polar, at codon 646 of the PRX protein (p.Glu646Lys). This variant is present in population databases (rs750625856, gnomAD 0.02%), including at least one homozygous and/or hemizygous individual. This missense change has been observed in individual(s) with hereditary motor and sensory neuropathy (PMID: 28708278). ClinVar contains an entry for this variant (Variation ID: 937930). Algorithms developed to predict the effect of missense changes on protein structure and function are either unavailable or do not agree on the potential impact of this missense change (SIFT: "Tolerated"; PolyPhen-2: "Possibly Damaging"; Align-GVGD: "Class C0"). In summary, the available evidence is currently insufficient to determine the role of this variant in disease. Therefore, it has been classified as a Variant of Uncertain Significance.

Literature cited by the submitters: PubMed 28708278 (cited by Labcorp Genetics (formerly Invitae), Labcorp).

NM_181882.3(PRX):c.1936G>A (p.Glu646Lys)

Gene: PRX (periaxin; minus strand). Cytogenetic location: 19q13.2.
Variant type: single nucleotide variant.
Coding change: c.1936G>A on transcript NM_181882.3 (MANE Select); coding-DNA position 1936, G replaced by A.
Protein change: p.Glu646Lys; replaces glutamic acid 646 with lysine.
Molecular consequence: missense variant. On other transcripts: 3 prime UTR variant (1).
Genome position (GRCh38, 1-based): chr19:40,396,416, C>T on the plus strand (G>A on the coding strand, the complement: PRX is on the minus strand). VCF-style: chr19-40396416-C-T. GRCh37 (hg19) VCF-style: chr19-40902323-C-T.
Other names: c.*2141G>A (NM_020956.2); short protein forms E646K.
Identifiers: ClinVar variation 937930 (VCV000937930.8), dbSNP rs750625856, ClinGen allele CA9444164.